The following is an entry in ClinVar:

NM_001127222.2(CACNA1A):c.6665C>T (p.Pro2222Leu)

Gene: CACNA1A (calcium voltage-gated channel subunit alpha1 A; minus strand). Cytogenetic location: 19p13.13.
Variant type: single nucleotide variant.
Coding change: c.6665C>T on transcript NM_001127222.2 (MANE Select); coding-DNA position 6665, C replaced by T.
Protein change: p.Pro2222Leu; replaces proline 2222 with leucine.
Molecular consequence: missense variant.
Genome position (GRCh38, 1-based): chr19:13,208,871, G>A on the plus strand (C>T on the coding strand, the complement: CACNA1A is on the minus strand). VCF-style: chr19-13208871-G-A. GRCh37 (hg19) VCF-style: chr19-13319685-G-A.
Other names: c.6683C>T, p.Pro2228Leu (NM_000068.4, NM_023035.3); c.6668C>T, p.Pro2223Leu (NM_001127221.2); c.6674C>T, p.Pro2225Leu (NM_001174080.2); short protein forms P2223L, P2228L, P2222L, P2225L.
Identifiers: ClinVar variation 588201 (VCV000588201.16), dbSNP rs1336146310, ClinGen allele CA404329803.

ClinVar aggregate classification (germline): Conflicting classifications of pathogenicity. Review status: criteria provided, conflicting classifications (1 of 4 stars). 3 submissions from 3 submitters: Uncertain significance (2); Likely benign (1). Last evaluated 2026-02-02.

Conditions:
Developmental and epileptic encephalopathy, 42 (DEE42A). Also called: DEVELOPMENTAL AND EPILEPTIC ENCEPHALOPATHY 42A; EPILEPTIC ENCEPHALOPATHY, EARLY INFANTILE, 42A; Epileptic encephalopathy, early infantile, 42. Identifiers: MedGen C4310716, MONDO:0014917, OMIM 617106.
Episodic ataxia type 2 (EA2). Also called: ACETAZOLAMIDE-RESPONSIVE HEREDITARY PAROXYSMAL CEREBELLAR ATAXIA; ATAXIA, EPISODIC, WITH NYSTAGMUS; ATAXIA, FAMILIAL PAROXYSMAL; CEREBELLAR ATAXIA, PAROXYSMAL, ACETAZOLAMIDE-RESPONSIVE; CEREBELLOPATHY, HEREDITARY PAROXYSMAL; EPISODIC ATAXIA, NYSTAGMUS-ASSOCIATED. Identifiers: Orphanet 97, MedGen C1720416, MONDO:0007163, OMIM 108500.
Inborn genetic diseases. Identifiers: MedGen C0950123, MeSH D030342.

Allele frequency attached by ClinVar (database versions not stated): gnomAD exomes 0.00001; TOPMed 0.00001; gnomAD 0.00003.
gnomAD v4.1: 18 of 1,535,936 alleles (0.0012%); highest among the groups gnomAD compares: African/African-American, 0.0027%; no homozygotes.

Submissions (3):

Labcorp Genetics (formerly Invitae), Labcorp
Classification: Likely benign for Developmental and epileptic encephalopathy, 42; Episodic ataxia type 2. Last evaluated: 2026-02-02. Review status: criteria provided, single submitter. Criteria: Invitae Variant Classification Sherloc (09022015). Collection method: clinical testing. Allele origin: germline.

Women's Health and Genetics/Laboratory Corporation of America, LabCorp
Classification: Uncertain significance. Last evaluated: 2025-11-03. Review status: criteria provided, single submitter. Criteria: LabCorp Variant Classification Summary - May 2015. Collection method: clinical testing. Allele origin: germline.
Comment: Variant summary: CACNA1A c.6668C>T (p.Pro2223Leu) results in a non-conservative amino acid change in the encoded protein sequence. Algorithms developed to predict the effect of missense changes on protein structure and function are either unavailable or do not agree on the potential impact of this missense change. The frequency data for this variant in gnomAD is considered unreliable, as metrics indicate poor data quality at this position. To our knowledge, no occurrence of c.6668C>T in individuals affected with CACNA1A-related conditions and no experimental evidence demonstrating its impact on protein function have been reported. ClinVar contains an entry for this variant (Variation ID: 588201). Based on the evidence outlined above, the variant was classified as uncertain significance.

Ambry Genetics
Classification: Uncertain significance for Inborn genetic diseases. Last evaluated: 2025-08-22. Review status: criteria provided, single submitter. Criteria: Ambry Variant Classification Scheme 2023. Collection method: clinical testing. Allele origin: germline.